The following is an entry in ClinVar:

ClinVar aggregate classification (germline): Pathogenic (1 of 4 stars; one submission).

Conditions:
Hypohidrotic X-linked ectodermal dysplasia (XHED). Also called: ECTODERMAL DYSPLASIA, HYPOHIDROTIC, 1; CST SYNDROME; ECTODERMAL DYSPLASIA 1; Christ-Siemans-Touraine syndrome; Ectodermal Dysplasia 1, Anhidrotic; Anhidrotic ectodermal dysplasia X-linked. Identifiers: Orphanet 181, Orphanet 238468, MedGen C0162359, MONDO:0010585, OMIM 305100.

Submission:

Labcorp Genetics (formerly Invitae), Labcorp
Classification: Pathogenic for Hypohidrotic X-linked ectodermal dysplasia. Last evaluated: 2019-08-27. Review status: criteria provided, single submitter. Criteria: Invitae Variant Classification Sherloc (09022015). Collection method: clinical testing. Allele origin: germline.
Comment: This sequence change creates a premature translational stop signal (p.Ser91Lysfs*9) in the EDA gene. It is expected to result in an absent or disrupted protein product. This variant is not present in population databases (ExAC no frequency). This variant has not been reported in the literature in individuals with EDA-related conditions. Loss-of-function variants in EDA are known to be pathogenic (PMID: 9683615). For these reasons, this variant has been classified as Pathogenic.

NM_001399.5(EDA):c.271dup (p.Ser91fs)

Gene: EDA (ectodysplasin A; plus strand). Cytogenetic location: Xq13.1.
Variant type: Duplication.
Coding change: c.271dup on transcript NM_001399.5 (MANE Select); coding-DNA position 271, one base duplicated (A; older notation c.271dupA).
Protein change: p.Ser91fs; shifts the reading frame from serine 91.
Molecular consequence: frameshift variant.
Genome position (GRCh38, 1-based): chrX:69,616,579, A duplicated; the last of 2 consecutive A bases (chrX:69,616,578-69,616,579); duplicating either gives the same sequence. VCF-style (leftmost placement, unchanged base first): chrX-69616577-T-TA. GRCh37 (hg19) VCF-style: chrX-68836421-T-TA.
Other names: c.271dup, p.Ser91fs (NM_001005609.2, NM_001005610.4, NM_001005612.3 and 1 more transcripts); short protein forms S91fs.
Identifiers: ClinVar variation 962399 (VCV000962399.1), dbSNP rs1931956776, ClinGen allele CA1139667614.
Genomic context (GRCh38, chrX:69,616,577, plus strand): 5'-GGGAACGTGGAGCCGAGTCCCGCCTTGGCGGCTCGGGCACCCCTGGCACCTCTGGCACCC[T>TA]AAGCAGCCTCGGTGGCCTCGACCCTGACAGCCCCATCACCAGTCACCTTGGGCAGCCGTC-3'